The following is an entry in ClinVar:

ClinVar aggregate classification (germline): Uncertain significance. Review status: criteria provided, multiple submitters, no conflicts (2 of 4 stars). 3 submissions from 3 submitters: Uncertain significance (3). Last evaluated 2025-01-21.

Conditions:
Hereditary nonpolyposis colorectal neoplasms. Identifiers: MedGen C0009405, MeSH D003123.
Hereditary cancer-predisposing syndrome. Also called: Hereditary neoplastic syndrome; Tumor predisposition; Neoplastic Syndromes, Hereditary; Hereditary Cancer Syndrome. Identifiers: Orphanet 140162, MedGen C0027672, MeSH D009386, MONDO:0015356.

Allele frequency attached by ClinVar (database versions not stated): gnomAD exomes below 0.00001; TOPMed below 0.00001.
gnomAD v4.1: 5 of 1,614,080 alleles (0.00031%); highest among the groups gnomAD compares: African/African-American, 0.004%; no homozygotes.

Submissions (3):

Ambry Genetics
Classification: Uncertain significance for Hereditary cancer-predisposing syndrome. Last evaluated: 2025-01-21. Review status: criteria provided, single submitter. Criteria: Ambry Variant Classification Scheme 2023. Collection method: clinical testing. Allele origin: germline.
Comment: The p.F1088L variant (also known as c.3262T>C), located in coding exon 5 of the MSH6 gene, results from a T to C substitution at nucleotide position 3262. The phenylalanine at codon 1088 is replaced by leucine, an amino acid with highly similar properties. This variant was identified in a cohort of 3,579 African males diagnosed with prostate cancer who underwent multi-gene panel testing of 19 DNA repair and cancer predisposition genes (Matejcic M et al. JCO Precis Oncol, 2020 Jan;4:32-43). This amino acid position is highly conserved in available vertebrate species. In addition, this alteration is predicted to be deleterious by in silico analysis. Based on the available evidence, the clinical significance of this variant remains unclear.

Labcorp Genetics (formerly Invitae), Labcorp
Classification: Uncertain significance for Hereditary nonpolyposis colorectal neoplasms. Last evaluated: 2024-08-22. Review status: criteria provided, single submitter. Criteria: Invitae Variant Classification Sherloc (09022015). Collection method: clinical testing. Allele origin: germline.
Comment: This sequence change replaces phenylalanine, which is neutral and non-polar, with leucine, which is neutral and non-polar, at codon 1088 of the MSH6 protein (p.Phe1088Leu). This variant is not present in population databases (gnomAD no frequency). This variant has not been reported in the literature in individuals affected with MSH6-related conditions. ClinVar contains an entry for this variant (Variation ID: 421360). Invitae Evidence Modeling of protein sequence and biophysical properties (such as structural, functional, and spatial information, amino acid conservation, physicochemical variation, residue mobility, and thermodynamic stability) indicates that this missense variant is not expected to disrupt MSH6 protein function with a negative predictive value of 95%. In summary, the available evidence is currently insufficient to determine the role of this variant in disease. Therefore, it has been classified as a Variant of Uncertain Significance.

GeneDx
Classification: Uncertain significance. Last evaluated: 2020-11-06. Review status: criteria provided, single submitter. Criteria: GeneDx Variant Classification Process June 2021. Collection method: clinical testing. Allele origin: germline. Affected: yes.
Comment: Not observed in large population cohorts (Lek 2016); In silico analysis supports that this missense variant has a deleterious effect on protein structure/function; Has not been previously published as pathogenic or benign to our knowledge

Literature cited by the submitters: PubMed 32832836 (cited by Ambry Genetics).

NM_000179.3(MSH6):c.3262T>C (p.Phe1088Leu)

Gene: MSH6 (mutS homolog 6; plus strand). Cytogenetic location: 2p16.3.
Variant type: single nucleotide variant.
Coding change: c.3262T>C on transcript NM_000179.3 (MANE Select); coding-DNA position 3262, T replaced by C.
Protein change: p.Phe1088Leu; replaces phenylalanine 1088 with leucine.
Molecular consequence: missense variant.
Genome position (GRCh38, 1-based): chr2:47,803,509, T>C. VCF-style: chr2-47803509-T-C. GRCh37 (hg19) VCF-style: chr2-48030648-T-C.
Other names: c.2872T>C, p.Phe958Leu (NM_001281492.2); c.2356T>C, p.Phe786Leu (NM_001281493.2, NM_001281494.2); short protein forms F1088L, F786L, F958L.
Identifiers: ClinVar variation 421360 (VCV000421360.11), dbSNP rs866793892, ClinGen allele CA16617695.